The following is an entry in ClinVar:

ClinVar aggregate classification (germline): Uncertain significance. Review status: criteria provided, multiple submitters, no conflicts (2 of 4 stars). 2 submissions from 2 submitters: Uncertain significance (2). Last evaluated 2024-02-08.

Allele frequency attached by ClinVar (database versions not stated): TOPMed 0.00001; ExAC 0.00003; ESP Exome Variant Server 0.00008.
gnomAD v4.1: 18 of 1,522,388 alleles (0.0012%); highest among the groups gnomAD compares: Non-Finnish European, 0.0016%; no homozygotes.

Submissions (2):

Women's Health and Genetics/Laboratory Corporation of America, LabCorp
Classification: Uncertain significance. Last evaluated: 2024-02-08. Review status: criteria provided, single submitter. Criteria: LabCorp Variant Classification Summary - May 2015. Collection method: clinical testing. Allele origin: germline.
Comment: Variant summary: PLS1 c.73A>C (p.Ile25Leu) results in a conservative amino acid change located in the EF-hand domain (IPR011992) of the encoded protein sequence. Four of five in-silico tools predict a benign effect of the variant on protein function. In addition, this variant disrupts the third nucleotide of exon 3, and therefore can affect splicing. Consensus agreement among computation tools predict no significant impact on normal splicing. However, these predictions have yet to be confirmed by functional studies. The variant allele was found at a frequency of 1.7e-05 in 234352 control chromosomes (gnomAD). The available data on variant occurrences in the general population are insufficient to allow any conclusion about variant significance. To our knowledge, no occurrence of c.73A>C in individuals affected with Hearing Loss, Autosomal Dominant 76 and no experimental evidence demonstrating its impact on protein function have been reported. ClinVar contains an entry for this variant (Variation ID: 2654206). Based on the evidence outlined above, the variant was classified as uncertain significance.

CeGaT Center for Human Genetics Tuebingen
Classification: Uncertain significance. Last evaluated: 2022-10-01. Review status: criteria provided, single submitter. Criteria: CeGaT Center For Human Genetics Tuebingen Variant Classification Criteria Version 2. Collection method: clinical testing. Allele origin: germline. Affected: yes. Observed: 1 variant allele.

NM_001145319.2(PLS1):c.73A>C (p.Ile25Leu)

Gene: PLS1 (plastin 1; plus strand). Cytogenetic location: 3q23.
Variant type: single nucleotide variant.
Coding change: c.73A>C on transcript NM_001145319.2 (MANE Select); coding-DNA position 73, A replaced by C.
Protein change: p.Ile25Leu; replaces isoleucine 25 with leucine.
Molecular consequence: missense variant.
Genome position (GRCh38, 1-based): chr3:142,669,392, A>C. VCF-style: chr3-142669392-A-C. GRCh37 (hg19) VCF-style: chr3-142388234-A-C.
Other names: c.73A>C, p.Ile25Leu (NM_001172312.2, NM_002670.3); short protein forms I25L.
Identifiers: ClinVar variation 2654206 (VCV002654206.24), dbSNP rs374422572, ClinGen allele CA2650937.